The following is an entry in ClinVar:

NM_020297.4(ABCC9):c.3184C>G (p.Leu1062Val)

Gene: ABCC9 (ATP binding cassette subfamily C member 9; minus strand). Cytogenetic location: 12p12.1.
Variant type: single nucleotide variant.
Coding change: c.3184C>G on transcript NM_020297.4 (MANE Select); coding-DNA position 3184, C replaced by G.
Protein change: p.Leu1062Val; replaces leucine 1062 with valine.
Molecular consequence: missense variant.
Genome position (GRCh38, 1-based): chr12:21,844,828, G>C on the plus strand (C>G on the coding strand, the complement: ABCC9 is on the minus strand). VCF-style: chr12-21844828-G-C. GRCh37 (hg19) VCF-style: chr12-21997762-G-C.
Other names: c.3184C>G, p.Leu1062Val (NM_001377273.1, NM_005691.4); c.2317C>G, p.Leu773Val (NM_001377274.1); short protein forms L1062V, L773V.
Identifiers: ClinVar variation 4745802 (VCV004745802.1).

ClinVar aggregate classification (germline): Uncertain significance (1 of 4 stars; one submission).

Conditions:
Dilated cardiomyopathy 1O (CMD1O). Also called: CARDIOMYOPATHY, DILATED, WITH VENTRICULAR TACHYCARDIA. Identifiers: Orphanet 154, MedGen C1837839, MONDO:0012062, OMIM 608569.

Submission:

Labcorp Genetics (formerly Invitae), Labcorp
Classification: Uncertain significance for Dilated cardiomyopathy 1O. Last evaluated: 2025-08-01. Review status: criteria provided, single submitter. Criteria: Invitae Variant Classification Sherloc (09022015). Collection method: clinical testing. Allele origin: germline.
Comment: This sequence change replaces leucine, which is neutral and non-polar, with valine, which is neutral and non-polar, at codon 1062 of the ABCC9 protein (p.Leu1062Val). This variant is not present in population databases (gnomAD no frequency). This variant has not been reported in the literature in individuals affected with ABCC9-related conditions. An algorithm developed to predict the effect of missense changes on protein structure and function outputs the following: PolyPhen-2: "Benign". The valine amino acid residue is found in multiple mammalian species, which suggests that this missense change does not adversely affect protein function. In summary, the available evidence is currently insufficient to determine the role of this variant in disease. Therefore, it has been classified as a Variant of Uncertain Significance.